The following is an entry in ClinVar:

ClinVar aggregate classification (germline): Pathogenic (1 of 4 stars; one submission).

Conditions:
Charcot-Marie-Tooth Neuropathy X. Identifiers: MedGen CN118851.

Submission:

Labcorp Genetics (formerly Invitae), Labcorp
Classification: Pathogenic for Charcot-Marie-Tooth Neuropathy X. Last evaluated: 2024-10-28. Review status: criteria provided, single submitter. Criteria: Invitae Variant Classification Sherloc (09022015). Collection method: clinical testing. Allele origin: germline.
Comment: This sequence change replaces phenylalanine, which is neutral and non-polar, with cysteine, which is neutral and slightly polar, at codon 145 of the GJB1 protein (p.Phe145Cys). This variant is not present in population databases (gnomAD no frequency). This missense change has been observed in individuals with clinical features of Charcot-Marie-Tooth disease (PMID: 27804109; internal data). It has also been observed to segregate with disease in related individuals. ClinVar contains an entry for this variant (Variation ID: 665446). Invitae Evidence Modeling of protein sequence and biophysical properties (such as structural, functional, and spatial information, amino acid conservation, physicochemical variation, residue mobility, and thermodynamic stability) indicates that this missense variant is expected to disrupt GJB1 protein function with a positive predictive value of 95%. For these reasons, this variant has been classified as Pathogenic.

Literature cited by the submitters: PubMed 27804109.

NM_000166.6(GJB1):c.434T>G (p.Phe145Cys)

Gene: GJB1 (gap junction protein beta 1; plus strand). Cytogenetic location: Xq13.1.
Variant type: single nucleotide variant.
Coding change: c.434T>G on transcript NM_000166.6 (MANE Select); coding-DNA position 434, T replaced by G.
Protein change: p.Phe145Cys; replaces phenylalanine 145 with cysteine.
Molecular consequence: missense variant.
Genome position (GRCh38, 1-based): chrX:71,224,141, T>G. VCF-style: chrX-71224141-T-G. GRCh37 (hg19) VCF-style: chrX-70443991-T-G.
Other names: c.434T>G, p.Phe145Cys (NM_001097642.3); short protein forms F145C.
Identifiers: ClinVar variation 665446 (VCV000665446.8), dbSNP rs1602349341, ClinGen allele CA413502407.
Genomic context (GRCh38, chrX:71,224,141, plus strand): 5'-TCCACATCTCAGGGACACTGTGGTGGACCTATGTCATCAGCGTGGTGTTCCGGCTGTTGT[T>G]TGAGGCCGTCTTCATGTATGTCTTTTATCTGCTCTACCCTGGCTATGCCATGGTGCGGCT-3'
Protein context (NP_000157.1, residues 135-155): YVISVVFRLL[Phe145Cys]EAVFMYVFYL